The following is an entry in ClinVar:

ClinVar aggregate classification (germline): Conflicting classifications of pathogenicity. Review status: criteria provided, conflicting classifications (1 of 4 stars). 2 submissions from 2 submitters: Uncertain significance (1); Likely benign (1). Last evaluated 2026-01-23.

Conditions:
Cardiovascular phenotype. Identifiers: MedGen CN230736.
Hereditary hemorrhagic telangiectasia (HHT). Also called: Osler hemorrhagic telangiectasia syndrome; ORW DISEASE; Osler Weber Rendu syndrome; OSLER-RENDU-WEBER DISEASE. Identifiers: Orphanet 774, MedGen C0039445, MONDO:0019180. Disease mechanism: loss of function.

Allele frequency attached by ClinVar (database versions not stated): TOPMed 0.00001.
gnomAD v4.1: 7 of 1,614,082 alleles (0.00043%); highest among the groups gnomAD compares: Non-Finnish European, 0.00059%; no homozygotes.

Submissions (2):

Ambry Genetics
Classification: Likely benign for Cardiovascular phenotype. Last evaluated: 2026-01-23. Review status: criteria provided, single submitter. Criteria: Ambry Variant Classification Scheme 2023. Collection method: clinical testing. Allele origin: germline.

Labcorp Genetics (formerly Invitae), Labcorp
Classification: Uncertain significance for Hereditary hemorrhagic telangiectasia. Last evaluated: 2021-08-31. Review status: criteria provided, single submitter. Criteria: Invitae Variant Classification Sherloc (09022015). Collection method: clinical testing. Allele origin: germline.
Comment: This sequence change replaces arginine with serine at codon 399 of the ENG protein (p.Arg399Ser). The arginine residue is weakly conserved and there is a moderate physicochemical difference between arginine and serine. This variant is not present in population databases (ExAC no frequency). This variant has not been reported in the literature in individuals affected with ENG-related conditions. Algorithms developed to predict the effect of missense changes on protein structure and function output the following: SIFT: "Tolerated"; PolyPhen-2: "Benign"; Align-GVGD: "Class C0". The serine amino acid residue is found in multiple mammalian species, which suggests that this missense change does not adversely affect protein function. In summary, the available evidence is currently insufficient to determine the role of this variant in disease. Therefore, it has been classified as a Variant of Uncertain Significance.

NM_001114753.3(ENG):c.1197G>C (p.Arg399Ser)

Genes: ENG (endoglin; minus strand), LOC102723566 (uncharacterized LOC102723566; plus strand). Cytogenetic location: 9q34.11.
Variant type: single nucleotide variant.
Coding change: c.1197G>C on transcript NM_001114753.3 (MANE Select); coding-DNA position 1197, G replaced by C.
Protein change: p.Arg399Ser; replaces arginine 399 with serine.
Molecular consequence: missense variant.
Genome position (GRCh38, 1-based): chr9:127,819,975, C>G on the plus strand (G>C on the coding strand, the complement: ENG is on the minus strand). VCF-style: chr9-127819975-C-G. GRCh37 (hg19) VCF-style: chr9-130582254-C-G.
Other names: c.1197G>C (NM_001114753.1); c.1197G>C, p.Arg399Ser (NM_000118.4); c.651G>C, p.Arg217Ser (NM_001278138.2); short protein forms R217S, R399S.
Identifiers: ClinVar variation 1015736 (VCV001015736.8), dbSNP rs1418330913, ClinGen allele CA374978543.
Genomic context (GRCh38, chr9:127,819,975, plus strand): 5'-ACTTGCTGACACCTGCATGCCACAGCTGGAGTAAGCACTGCGCAAGACAAACTTGTCACC[C>G]CTGTCCTCTGCCTCACAGCTGGGGTCCCAGAAGGTCAGGCCCGTGATGGTGCACTTCAAA-3'
Protein context (NP_001108225.1, residues 389-409): FWDPSCEAED[Arg399Ser]GDKFVLRSAY